The following is an entry in ClinVar:

NM_020207.7(ERCC6L2):c.1300-3C>T

Gene: ERCC6L2 (ERCC excision repair 6 like 2; plus strand). Cytogenetic location: 9q22.32.
Variant type: single nucleotide variant.
Coding change: c.1300-3C>T on transcript NM_020207.7 (MANE Select); 3 bases into the intron before coding-DNA position 1300, C replaced by T.
Molecular consequence: intron variant.
Genome position (GRCh38, 1-based): chr9:95,922,302, C>T. VCF-style: chr9-95922302-C-T. GRCh37 (hg19) VCF-style: chr9-98684584-C-T.
Other names: c.1300-3C>T (NM_001375291.1, NM_001375292.1, NM_001375294.1 and 2 more transcripts).
Identifiers: ClinVar variation 2115624 (VCV002115624.1), dbSNP rs747385080, ClinGen allele CA5139529.
Genomic context (GRCh38, chr9:95,922,302, plus strand): 5'-ATGATGTAAGCAGGTGCATAGCTATGCTGGTCCTTTTTATTTTCTATATTTTTCTGGTTA[C>T]AGACCAATTCTCATGGTGAAACAGTGAAAACCTTGTATCTCAGTTACCTTACAGTCCTTC-3'

ClinVar aggregate classification (germline): Uncertain significance (1 of 4 stars; one submission).

Allele frequency attached by ClinVar (database versions not stated): ExAC 0.00001.
gnomAD v4.1: 3 of 1,556,824 alleles (0.00019%); highest among the groups gnomAD compares: South Asian, 0.0034%; no homozygotes.

Submission:

Labcorp Genetics (formerly Invitae), Labcorp
Classification: Uncertain significance. Last evaluated: 2022-07-17. Review status: criteria provided, single submitter. Criteria: Invitae Variant Classification Sherloc (09022015). Collection method: clinical testing. Allele origin: germline.
Comment: This sequence change falls in intron 7 of the ERCC6L2 gene. It does not directly change the encoded amino acid sequence of the ERCC6L2 protein. It affects a nucleotide within the consensus splice site. This variant is present in population databases (rs747385080, gnomAD 0.003%). This variant has not been reported in the literature in individuals affected with ERCC6L2-related conditions. Variants that disrupt the consensus splice site are a relatively common cause of aberrant splicing (PMID: 17576681, 9536098). Algorithms developed to predict the effect of sequence changes on RNA splicing suggest that this variant is not likely to affect RNA splicing. In summary, the available evidence is currently insufficient to determine the role of this variant in disease. Therefore, it has been classified as a Variant of Uncertain Significance.

Literature cited by the submitters: PubMed 17576681; PubMed 9536098.